The following is an entry in ClinVar:

NM_001035.3(RYR2):c.13522T>C (p.Phe4508Leu)

Gene: RYR2 (ryanodine receptor 2; plus strand). Cytogenetic location: 1q43.
Variant type: single nucleotide variant.
Coding change: c.13522T>C on transcript NM_001035.3 (MANE Select); coding-DNA position 13522, T replaced by C.
Protein change: p.Phe4508Leu; replaces phenylalanine 4508 with leucine.
Molecular consequence: missense variant.
Genome position (GRCh38, 1-based): chr1:237,791,474, T>C. VCF-style: chr1-237791474-T-C. GRCh37 (hg19) VCF-style: chr1-237954774-T-C.
Other names: short protein forms F4508L.
Identifiers: ClinVar variation 4758022 (VCV004758022.1).

ClinVar aggregate classification (germline): Uncertain significance (1 of 4 stars; one submission).

Conditions:
Cardiomyopathy (CMYO). Also called: Cardiomyopathies. Identifiers: Orphanet 167848, MedGen C0878544, MONDO:0004994, HP:0001638. Inheritance: Various modes of inheritance.

Submission:

Color Diagnostics, LLC DBA Color Health
Classification: Uncertain significance for Cardiomyopathy. Last evaluated: 2025-08-22. Review status: criteria provided, single submitter. Criteria: ACMG Guidelines, 2015. Collection method: clinical testing. Allele origin: germline.
Comment: This missense variant replaces phenylalanine with leucine at codon 4508 of the RYR2 protein. Computational prediction suggests that this variant may have deleterious impact on protein structure and function. To our knowledge, functional studies have not been reported for this variant. This variant has not been reported in individuals affected with RYR2-related disorders in the literature. This variant has not been identified in the general population by the Genome Aggregation Database (gnomAD). The available evidence is insufficient to determine the role of this variant in disease conclusively. Therefore, this variant is classified as a Variant of Uncertain Significance.